The following is an entry in ClinVar:

NM_004795.4(KL):c.544G>T (p.Glu182Ter)

Gene: KL (klotho; plus strand). Cytogenetic location: 13q13.1.
Variant type: single nucleotide variant.
Coding change: c.544G>T on transcript NM_004795.4 (MANE Select); coding-DNA position 544, G replaced by T.
Protein change: p.Glu182Ter; replaces glutamic acid 182 with a stop codon.
Molecular consequence: nonsense.
Genome position (GRCh38, 1-based): chr13:33,016,984, G>T. VCF-style: chr13-33016984-G-T. GRCh37 (hg19) VCF-style: chr13-33591122-G-T.
Other names: short protein forms E182*.
Identifiers: ClinVar variation 1500309 (VCV001500309.6), dbSNP rs1870376906, ClinGen allele CA387781831.
Genomic context (GRCh38, chr13:33,016,984, plus strand): 5'-GCGGGCGTCCCCAACCGCGAGGGGCTGCGCTACTACCGGCGCCTGCTGGAGCGGCTGCGG[G>T]AGCTGGGCGTGCAGCCCGTGGTCACCCTGTACCACTGGGACCTGCCCCAGCGCCTGCAGG-3'

ClinVar aggregate classification (germline): Uncertain significance (1 of 4 stars; one submission).

Submission:

Labcorp Genetics (formerly Invitae), Labcorp
Classification: Uncertain significance. Last evaluated: 2023-08-10. Review status: criteria provided, single submitter. Criteria: Invitae Variant Classification Sherloc (09022015). Collection method: clinical testing. Allele origin: germline.
Comment: This sequence change creates a premature translational stop signal (p.Glu182*) in the KL gene. It is expected to result in an absent or disrupted protein product. However, the current clinical and genetic evidence is not sufficient to establish whether loss-of-function variants in KL cause disease. This variant is not present in population databases (gnomAD no frequency). This variant has not been reported in the literature in individuals affected with KL-related conditions. ClinVar contains an entry for this variant (Variation ID: 1500309). In summary, the available evidence is currently insufficient to determine the role of this variant in disease. Therefore, it has been classified as a Variant of Uncertain Significance.